The following is an entry in ClinVar:

ClinVar aggregate classification (germline): Uncertain significance (1 of 4 stars; one submission).

Conditions:
Spastic paraplegia. Identifiers: MedGen C0037772, HP:0001258.

gnomAD v4.1: 2 of 1,614,054 alleles (0.00012%); highest among the groups gnomAD compares: Non-Finnish European, 0.00017%; no homozygotes.

Submission:

Labcorp Genetics (formerly Invitae), Labcorp
Classification: Uncertain significance for Spastic paraplegia. Last evaluated: 2024-02-03. Review status: criteria provided, single submitter. Criteria: Invitae Variant Classification Sherloc (09022015). Collection method: clinical testing. Allele origin: germline.
Comment: This sequence change replaces aspartic acid, which is acidic and polar, with glutamic acid, which is acidic and polar, at codon 28 of the KIF5A protein (p.Asp28Glu). This variant is not present in population databases (gnomAD no frequency). This variant has not been reported in the literature in individuals affected with KIF5A-related conditions. Advanced modeling of protein sequence and biophysical properties (such as structural, functional, and spatial information, amino acid conservation, physicochemical variation, residue mobility, and thermodynamic stability) has been performed at Invitae for this missense variant, however the output from this modeling did not meet the statistical confidence thresholds required to predict the impact of this variant on KIF5A protein function. In summary, the available evidence is currently insufficient to determine the role of this variant in disease. Therefore, it has been classified as a Variant of Uncertain Significance.

NM_004984.4(KIF5A):c.84C>A (p.Asp28Glu)

Gene: KIF5A (kinesin family member 5A; plus strand). Cytogenetic location: 12q13.3.
Variant type: single nucleotide variant.
Coding change: c.84C>A on transcript NM_004984.4 (MANE Select); coding-DNA position 84, C replaced by A.
Protein change: p.Asp28Glu; replaces aspartic acid 28 with glutamic acid.
Molecular consequence: missense variant.
Genome position (GRCh38, 1-based): chr12:57,550,355, C>A. VCF-style: chr12-57550355-C-A. GRCh37 (hg19) VCF-style: chr12-57944138-C-A.
Other names: c.84C>A, p.Asp28Glu (NM_001354705.2); short protein forms D28E.
Identifiers: ClinVar variation 3690612 (VCV003690612.2).